The following is an entry in ClinVar:

NM_004738.5(VAPB):c.587T>C (p.Leu196Pro)

Gene: VAPB (VAMP associated protein B and C; plus strand). Cytogenetic location: 20q13.32.
Variant type: single nucleotide variant.
Coding change: c.587T>C on transcript NM_004738.5 (MANE Select); coding-DNA position 587, T replaced by C.
Protein change: p.Leu196Pro; replaces leucine 196 with proline.
Molecular consequence: missense variant. On other transcripts: synonymous variant (1), non-coding transcript variant (1).
Genome position (GRCh38, 1-based): chr20:58,444,090, T>C. VCF-style: chr20-58444090-T-C. GRCh37 (hg19) VCF-style: chr20-57019146-T-C.
Other names: c.225T>C, p.Thr75= (NM_001195677.2); short protein forms L196P.
Identifiers: ClinVar variation 853469 (VCV000853469.11), dbSNP rs1252954619, ClinGen allele CA409440078.

ClinVar aggregate classification (germline): Uncertain significance. Review status: criteria provided, multiple submitters, no conflicts (2 of 4 stars). 2 submissions from 2 submitters: Uncertain significance (2). Last evaluated 2025-08-15.

Conditions:
VAPB-related disorder. Also called: VAPB-related condition.
Adult-onset proximal spinal muscular atrophy, autosomal dominant. Also called: FINKEL LATE-ADULT TYPE SMA; Spinal muscular atrophy, late-onset, finkel type. Identifiers: Orphanet 209335, MedGen C1854058, MONDO:0008453, OMIM 182980.
Amyotrophic lateral sclerosis type 8 (ALS8). Identifiers: Orphanet 803, MedGen C1837728, MONDO:0012077, OMIM 608627.

Allele frequency attached by ClinVar (database versions not stated): TOPMed below 0.00001; gnomAD exomes 0.00001.
gnomAD v4.1: 10 of 1,614,232 alleles (0.00062%); highest among the groups gnomAD compares: Non-Finnish European, 0.00085%; no homozygotes.

Submissions (2):

PreventionGenetics, part of Exact Sciences
Classification: Uncertain significance for VAPB-related condition. Last evaluated: 2025-08-15. Review status: criteria provided, single submitter. Criteria: ACMG Guidelines, 2015. Collection method: clinical testing. Allele origin: germline.
Comment: The VAPB c.587T>C variant is predicted to result in the amino acid substitution p.Leu196Pro. To our knowledge, this variant has not been reported in the literature or in a large population database (gnomAD), indicating this variant is rare. At this time, the clinical significance of this variant is uncertain due to the absence of conclusive functional and genetic evidence.

Labcorp Genetics (formerly Invitae), Labcorp
Classification: Uncertain significance for Adult-onset proximal spinal muscular atrophy, autosomal dominant; Amyotrophic lateral sclerosis type 8. Last evaluated: 2024-12-04. Review status: criteria provided, single submitter. Criteria: Invitae Variant Classification Sherloc (09022015). Collection method: clinical testing. Allele origin: germline.
Comment: This sequence change replaces leucine, which is neutral and non-polar, with proline, which is neutral and non-polar, at codon 196 of the VAPB protein (p.Leu196Pro). This variant is not present in population databases (gnomAD no frequency). This variant has not been reported in the literature in individuals affected with VAPB-related conditions. ClinVar contains an entry for this variant (Variation ID: 853469). Invitae Evidence Modeling of protein sequence and biophysical properties (such as structural, functional, and spatial information, amino acid conservation, physicochemical variation, residue mobility, and thermodynamic stability) indicates that this missense variant is expected to disrupt VAPB protein function with a positive predictive value of 80%. In summary, the available evidence is currently insufficient to determine the role of this variant in disease. Therefore, it has been classified as a Variant of Uncertain Significance.